The following is an entry in ClinVar:

NM_001113491.2(SEPTIN9):c.709C>G (p.Arg237Gly)

Gene: SEPTIN9 (septin 9; plus strand). Cytogenetic location: 17q25.3.
Variant type: single nucleotide variant.
Coding change: c.709C>G on transcript NM_001113491.2 (MANE Select); coding-DNA position 709, C replaced by G.
Protein change: p.Arg237Gly; replaces arginine 237 with glycine.
Molecular consequence: missense variant.
Genome position (GRCh38, 1-based): chr17:77,402,691, C>G. VCF-style: chr17-77402691-C-G. GRCh37 (hg19) VCF-style: chr17-75398773-C-G.
Other names: c.217C>G, p.Arg73Gly (NM_001113492.2, NM_001113494.1); c.688C>G, p.Arg230Gly (NM_001113493.2); c.652C>G, p.Arg218Gly (NM_001293695.2); c.655C>G, p.Arg219Gly (NM_006640.5); short protein forms R218G, R219G, R230G, R237G, R73G.
Identifiers: ClinVar variation 4699763 (VCV004699763.1).

ClinVar aggregate classification (germline): Uncertain significance (1 of 4 stars; one submission).

gnomAD v4.1: 17 of 1,589,028 alleles (0.0011%); highest among the groups gnomAD compares: Non-Finnish European, 0.0015%; no homozygotes.

Submission:

Labcorp Genetics (formerly Invitae), Labcorp
Classification: Uncertain significance. Last evaluated: 2025-06-04. Review status: criteria provided, single submitter. Criteria: Invitae Variant Classification Sherloc (09022015). Collection method: clinical testing. Allele origin: germline.
Comment: This sequence change replaces arginine, which is basic and polar, with glycine, which is neutral and non-polar, at codon 219 of the SEPT9 protein (p.Arg219Gly). This variant is not present in population databases (gnomAD no frequency). This variant has not been reported in the literature in individuals affected with SEPT9-related conditions. Invitae Evidence Modeling of protein sequence and biophysical properties (such as structural, functional, and spatial information, amino acid conservation, physicochemical variation, residue mobility, and thermodynamic stability) indicates that this missense variant is not expected to disrupt SEPT9 protein function with a negative predictive value of 80%. In summary, the available evidence is currently insufficient to determine the role of this variant in disease. Therefore, it has been classified as a Variant of Uncertain Significance.